The following is an entry in ClinVar:

NM_006031.6(PCNT):c.2093A>G (p.Glu698Gly)

Gene: PCNT (pericentrin; plus strand). Cytogenetic location: 21q22.3.
Variant type: single nucleotide variant.
Coding change: c.2093A>G on transcript NM_006031.6 (MANE Select); coding-DNA position 2093, A replaced by G.
Protein change: p.Glu698Gly; replaces glutamic acid 698 with glycine.
Molecular consequence: missense variant.
Genome position (GRCh38, 1-based): chr21:46,357,130, A>G. VCF-style: chr21-46357130-A-G. GRCh37 (hg19) VCF-style: chr21-47777045-A-G.
Other names: c.1739A>G, p.Glu580Gly (NM_001315529.2); short protein forms E580G, E698G.
Identifiers: ClinVar variation 3305209 (VCV003305209.2).
Genomic context (GRCh38, chr21:46,357,130, plus strand): 5'-AGGTGCAACTTTCGCTTCTTCAGACTGAGCTCAAAGAAGAAATTGAACTCCTAAAAATAG[A>G]AAATAGAAATTTGTATGGGAAGTTGCAGCATGAAACTCGTCTGAAGGACGATTTGGAGAA-3'
Protein context (NP_006022.3, residues 688-708): LKEEIELLKI[Glu698Gly]NRNLYGKLQH

ClinVar aggregate classification (germline): Uncertain significance. Review status: criteria provided, multiple submitters, no conflicts (2 of 4 stars). 2 submissions from 2 submitters: Uncertain significance (2). Last evaluated 2024-11-15.

Conditions:
PCNT-related disorder. Also called: PCNT-related condition.
Inborn genetic diseases. Identifiers: MedGen C0950123, MeSH D030342.

gnomAD v4.1: 1 of 1,614,128 alleles (0.000062%); no homozygotes.

Submissions (2):

PreventionGenetics, part of Exact Sciences
Classification: Uncertain significance for PCNT-related condition. Last evaluated: 2024-11-15. Review status: criteria provided, single submitter. Criteria: ACMG Guidelines, 2015. Collection method: clinical testing. Allele origin: germline.
Comment: The PCNT c.2093A>G variant is predicted to result in the amino acid substitution p.Glu698Gly. To our knowledge, this variant has not been reported in the literature or in a large population database (gnomAD), indicating this variant is rare. At this time, the clinical significance of this variant is uncertain due to the absence of conclusive functional and genetic evidence.

Ambry Genetics
Classification: Uncertain significance for Inborn genetic diseases. Last evaluated: 2024-04-23. Review status: criteria provided, single submitter. Criteria: Ambry Variant Classification Scheme 2023. Collection method: clinical testing. Allele origin: germline.